The following is an entry in ClinVar:

ClinVar aggregate classification (germline): Likely pathogenic (1 of 4 stars; one submission).

Submission:

Labcorp Genetics (formerly Invitae), Labcorp
Classification: Likely pathogenic. Last evaluated: 2024-03-16. Review status: criteria provided, single submitter. Criteria: Invitae Variant Classification Sherloc (09022015). Collection method: clinical testing. Allele origin: germline.
Comment: This sequence change replaces glycine, which is neutral and non-polar, with arginine, which is basic and polar, at codon 354 of the COL2A1 protein (p.Gly354Arg). This variant is not present in population databases (gnomAD no frequency). This missense change has been observed in individual(s) with spondyloepiphyseal dysplasia (PMID: 8486375). Advanced modeling of protein sequence and biophysical properties (such as structural, functional, and spatial information, amino acid conservation, physicochemical variation, residue mobility, and thermodynamic stability) performed at Invitae indicates that this missense variant is expected to disrupt COL2A1 protein function with a positive predictive value of 95%. This variant disrupts the triple helix domain of COL2A1. Glycine residues within the Gly-Xaa-Yaa repeats of the triple helix domain are required for the structure and stability of fibrillar collagens (PMID: 7695699, 8218237, 19344236). In COL2A1, variants affecting these glycine residues are significantly enriched in individuals with disease (PMID: 9016532, 17078022) compared to the general population (ExAC). In summary, the currently available evidence indicates that the variant is pathogenic, but additional data are needed to prove that conclusively. Therefore, this variant has been classified as Likely Pathogenic.

Literature cited by the submitters: PubMed 8486375; PubMed 7695699; PubMed 8218237; PubMed 19344236; PubMed 9016532; PubMed 17078022.

NM_001844.5(COL2A1):c.1060G>C (p.Gly354Arg)

Gene: COL2A1 (collagen type II alpha 1 chain; minus strand). Cytogenetic location: 12q13.11.
Variant type: single nucleotide variant.
Coding change: c.1060G>C on transcript NM_001844.5 (MANE Select); coding-DNA position 1060, G replaced by C.
Protein change: p.Gly354Arg; replaces glycine 354 with arginine.
Molecular consequence: missense variant.
Genome position (GRCh38, 1-based): chr12:47,989,769, C>G on the plus strand (G>C on the coding strand, the complement: COL2A1 is on the minus strand). VCF-style: chr12-47989769-C-G. GRCh37 (hg19) VCF-style: chr12-48383552-C-G.
Other names: c.853G>C, p.Gly285Arg (NM_033150.3); short protein forms G285R, G354R.
Identifiers: ClinVar variation 3645321 (VCV003645321.2).
Genomic context (GRCh38, chr12:47,989,769, plus strand): 5'-ACGGGACTTAAAGCACAGCAACAATGACCTGCTGAGGATGAAATGAACTTACCGGAGGCC[C>G]TGCGGGGCCTGGCTGACCATCGTTGCCTCGGGCACCCTGTGAGCAAGAAGGAAGTGACCA-3'
Protein context (NP_001835.3, residues 344-364): RGNDGQPGPA[Gly354Arg]PPGPVGPAGG